The following is an entry in ClinVar:

NM_001572.5(IRF7):c.676G>A (p.Gly226Arg)

Gene: IRF7 (interferon regulatory factor 7; minus strand). Cytogenetic location: 11p15.5.
Variant type: single nucleotide variant.
Coding change: c.676G>A on transcript NM_001572.5 (MANE Select); coding-DNA position 676, G replaced by A.
Protein change: p.Gly226Arg; replaces glycine 226 with arginine.
Molecular consequence: missense variant.
Genome position (GRCh38, 1-based): chr11:614,177, C>T on the plus strand (G>A on the coding strand, the complement: IRF7 is on the minus strand). VCF-style: chr11-614177-C-T. GRCh37 (hg19) VCF-style: chr11-614177-C-T.
Other names: c.676G>A, p.Gly226Arg (NM_004029.4); c.715G>A, p.Gly239Arg (NM_004031.4); short protein forms G239R, G226R.
Identifiers: ClinVar variation 3690454 (VCV003690454.2).

ClinVar aggregate classification (germline): Uncertain significance (1 of 4 stars; one submission).

Conditions:
Immunodeficiency 39 (IMD39). Identifiers: Orphanet 574918, MedGen C4225358, MONDO:0014597, OMIM 616345.

gnomAD v4.1: 2 of 1,612,274 alleles (0.00012%); highest among the groups gnomAD compares: South Asian, 0.0011%; no homozygotes.

Submission:

Labcorp Genetics (formerly Invitae), Labcorp
Classification: Uncertain significance for Immunodeficiency 39. Last evaluated: 2024-08-26. Review status: criteria provided, single submitter. Criteria: Invitae Variant Classification Sherloc (09022015). Collection method: clinical testing. Allele origin: germline.
Comment: This sequence change replaces glycine, which is neutral and non-polar, with arginine, which is basic and polar, at codon 239 of the IRF7 protein (p.Gly239Arg). This variant is present in population databases (rs754879003, gnomAD 0.003%). This variant has not been reported in the literature in individuals affected with IRF7-related conditions. Invitae Evidence Modeling of protein sequence and biophysical properties (such as structural, functional, and spatial information, amino acid conservation, physicochemical variation, residue mobility, and thermodynamic stability) indicates that this missense variant is not expected to disrupt IRF7 protein function with a negative predictive value of 80%. In summary, the available evidence is currently insufficient to determine the role of this variant in disease. Therefore, it has been classified as a Variant of Uncertain Significance.